The following is an entry in ClinVar:

ClinVar aggregate classification (germline): Likely pathogenic (1 of 4 stars; one submission).

Conditions:
CFAP298-related disorder. Also called: CFAP298-related condition.

Submission:

PreventionGenetics, part of Exact Sciences
Classification: Likely pathogenic for CFAP298-related condition. Last evaluated: 2025-01-08. Review status: criteria provided, single submitter. Criteria: ACMG Guidelines, 2015. Collection method: clinical testing. Allele origin: germline.
Comment: The CFAP298 c.338_341delAGAA variant is predicted to result in a frameshift and premature protein termination (p.Lys113Argfs*3). To our knowledge, this variant has not been reported in the literature. This variant is reported in 0.00089% of alleles in individuals of European (Non-Finnish) descent in gnomAD. Frameshift variants in CFAP298 are expected to be pathogenic. This variant is interpreted as likely pathogenic.

NM_021254.4(CFAP298):c.338_341del (p.Lys113fs)

Genes: CFAP298 (cilia and flagella associated protein 298; minus strand), CFAP298-TCP10L (CFAP298-TCP10L readthrough; minus strand). Cytogenetic location: 21q22.11.
Variant type: Deletion.
Coding change: c.338_341del on transcript NM_021254.4 (MANE Select); coding-DNA positions 338 to 341, 4 bases deleted (AGAA; older notation c.338_341delAGAA).
Protein change: p.Lys113fs; shifts the reading frame from lysine 113.
Molecular consequence: frameshift variant. On other transcripts: non-coding transcript variant (2), intron variant (1).
Genome position (GRCh38, 1-based): chr21:32,607,683-32,607,686, TTCT deleted on the plus strand (AGAA on the coding strand, the reverse complement: CFAP298 is on the minus strand); deleting any 4 consecutive bases within chr21:32,607,683-32,607,688 gives the same sequence; the c. name uses the placement nearest the transcript's 3' end. VCF-style (leftmost placement, unchanged base first): chr21-32607682-CTTCT-C. GRCh37 (hg19) VCF-style: chr21-33979992-CTTCT-C.
Other names: c.338_341del, p.Lys113fs (NM_001350338.2, NM_001350335.2, NM_001350336.2 and 1 more transcripts); c.78+2152_78+2155del (NM_001350334.2); short protein forms K113fs.
Identifiers: ClinVar variation 5000272 (VCV005000272.1).
Genomic context (GRCh38, chr21:32,607,682, plus strand): 5'-TTTAGTGCATCATTTAAAAAAGCCAACCTTAGATATTATTGCTTTGGCTTCTTCTATAGT[CTTCT>C]TTAACACTTGCTTCATCTTCTCATTTGGAGCTATAAAAATAAAAAGGAGAGAGGGAGAAA-3'